The following is an entry in ClinVar:

NM_199420.4(POLQ):c.7153-71C>T

Gene: POLQ (DNA polymerase theta; minus strand). Cytogenetic location: 3q13.33.
Variant type: single nucleotide variant.
Coding change: c.7153-71C>T on transcript NM_199420.4 (MANE Select); 71 bases into the intron before coding-DNA position 7153, C replaced by T.
Molecular consequence: intron variant.
Genome position (GRCh38, 1-based): chr3:121,449,497, G>A on the plus strand (C>T on the coding strand, the complement: POLQ is on the minus strand). VCF-style: chr3-121449497-G-A. GRCh37 (hg19) VCF-style: chr3-121168344-G-A.
Identifiers: ClinVar variation 4888229 (VCV004888229.1), dbSNP rs3218650.
Genomic context (GRCh38, chr3:121,449,497, plus strand): 5'-GTCATCCAACAAATAAAGGTTATAAGTACATAAAATGCAAATAAAAGGGTTCATTAGGAT[G>A]CGAATTTCGGCAAACTTTTTATTTCACAGTGAGTGAAACAATGATTAGATTGCTTTTGGT-3'

ClinVar aggregate classification (germline): Benign (1 of 4 stars; one submission).

Conditions:
Familial cancer of breast. Also called: BREAST CANCER, FAMILIAL; Hereditary breast cancer; hereditary breast carcinoma. Identifiers: Orphanet 227535, MedGen C0346153, MONDO:0016419, OMIM 114480. Disease mechanism: loss of function.

gnomAD v4.1: 36,953 of 816,936 alleles (4.5%); highest among the groups gnomAD compares: Middle Eastern, 7.5%; 1,056 homozygotes.

Submission:

Genomic Medicine Laboratory, Hospital de Clinicas de Porto Alegre
Classification: Benign for Familial cancer of breast. Last evaluated: 2026-08-07. Review status: criteria provided, single submitter. Criteria: ACGS UK Practice Guidelines For Variant Classification V12 2024. Collection method: research. Allele origin: germline. Affected: yes. Observed: 3 variant alleles.
Comment: BA1: Allele frequency is above 5%